The following is an entry in ClinVar:

NM_152773.5(DYNLT2B):c.16G>A (p.Gly6Arg)

Genes: DYNLT2B (dynein light chain Tctex-type 2B; minus strand), TM4SF19-DYNLT2B (TM4SF19-DYNLT2B readthrough (NMD candidate); minus strand), LOC129938285 (ATAC-STARR-seq lymphoblastoid active region 21087; plus strand). Cytogenetic location: 3q29.
Variant type: single nucleotide variant.
Coding change: c.16G>A on transcript NM_152773.5 (MANE Select); coding-DNA position 16, G replaced by A.
Protein change: p.Gly6Arg; replaces glycine 6 with arginine.
Molecular consequence: missense variant.
Genome position (GRCh38, 1-based): chr3:196,318,137, C>T on the plus strand (G>A on the coding strand, the complement: DYNLT2B is on the minus strand). VCF-style: chr3-196318137-C-T. GRCh37 (hg19) VCF-style: chr3-196045008-C-T.
Other names: c.16G>A, p.Gly6Arg (NM_001351628.2); c.16G>A (NM_152773.4); short protein forms G6R.
Identifiers: ClinVar variation 1924723 (VCV001924723.7), dbSNP rs372733349, ClinGen allele CA90807186.
Genomic context (GRCh38, chr3:196,318,137, plus strand): 5'-CGGGCTCCCCTGCGTTCTTCTCAGCCTCAGGCACCCCGTCGCCCACCGAGAAGGACACTC[C>T]GATGGACGTGGCCATGCCGGGGCTTCTCGGTCCGGGCGTAGCTCGCGATGAAGGCCTAGC-3'
Protein context (NP_689986.2, residues 1-16): MATSI[Gly6Arg]VSFSVGDGVP

ClinVar aggregate classification (germline): Uncertain significance. Review status: criteria provided, multiple submitters, no conflicts (2 of 4 stars). 2 submissions from 2 submitters: Uncertain significance (2). Last evaluated 2025-02-19.

Allele frequency attached by ClinVar (database versions not stated): gnomAD exomes below 0.00001; gnomAD 0.00007; ESP Exome Variant Server 0.00008; TOPMed 0.00008.
gnomAD v4.1: 17 of 1,543,958 alleles (0.0011%); highest among the groups gnomAD compares: African/African-American, 0.017%; no homozygotes.

Submissions (2):

Ambry Genetics
Classification: Uncertain significance. Last evaluated: 2025-02-19. Review status: criteria provided, single submitter. Criteria: Ambry Variant Classification Scheme 2023. Collection method: clinical testing. Allele origin: germline.

Labcorp Genetics (formerly Invitae), Labcorp
Classification: Uncertain significance. Last evaluated: 2023-11-24. Review status: criteria provided, single submitter. Criteria: Invitae Variant Classification Sherloc (09022015). Collection method: clinical testing. Allele origin: germline.
Comment: This sequence change replaces glycine, which is neutral and non-polar, with arginine, which is basic and polar, at codon 6 of the TCTEX1D2 protein (p.Gly6Arg). The frequency data for this variant in the population databases is considered unreliable, as metrics indicate poor data quality at this position in the gnomAD database. This variant has not been reported in the literature in individuals affected with TCTEX1D2-related conditions. ClinVar contains an entry for this variant (Variation ID: 1924723). Algorithms developed to predict the effect of missense changes on protein structure and function output the following: SIFT: "Not Available"; PolyPhen-2: "Benign"; Align-GVGD: "Not Available". The arginine amino acid residue is found in multiple mammalian species, which suggests that this missense change does not adversely affect protein function. In summary, the available evidence is currently insufficient to determine the role of this variant in disease. Therefore, it has been classified as a Variant of Uncertain Significance.